The following is an entry in ClinVar:

NM_004408.4(DNM1):c.767G>A (p.Arg256Gln)

Gene: DNM1 (dynamin 1; plus strand). Cytogenetic location: 9q34.11.
Variant type: single nucleotide variant.
Coding change: c.767G>A on transcript NM_004408.4 (MANE Select); coding-DNA position 767, G replaced by A.
Protein change: p.Arg256Gln; replaces arginine 256 with glutamine.
Molecular consequence: missense variant.
Genome position (GRCh38, 1-based): chr9:128,220,259, G>A. VCF-style: chr9-128220259-G-A. GRCh37 (hg19) VCF-style: chr9-130982538-G-A.
Other names: c.767G>A, p.Arg256Gln (NM_001005336.3, NM_001288737.2, NM_001288738.2 and 2 more transcripts); short protein forms R256Q.
Identifiers: ClinVar variation 3014477 (VCV003014477.3), dbSNP rs755625989, ClinGen allele CA5257880.
Genomic context (GRCh38, chr9:128,220,259, plus strand): 5'-ACCGGAGCCAGAAGGACATTGATGGCAAGAAGGACATTACCGCCGCCTTGGCTGCTGAAC[G>A]AAAGTTCTTCCTCTCCCATCCATCTTATCGCCACTTGGCTGACCGTATGGGCACGCCCTA-3'
Protein context (NP_004399.2, residues 246-266): KDITAALAAE[Arg256Gln]KFFLSHPSYR

ClinVar aggregate classification (germline): Uncertain significance (1 of 4 stars; one submission).

Conditions:
Developmental and epileptic encephalopathy, 31A. Also called: Epileptic encephalopathy, early infantile, 31; Developmental and epileptic encephalopathy, 31. Identifiers: Orphanet 2382, MedGen C4225357, MONDO:0014598, OMIM 616346.

Allele frequency attached by ClinVar (database versions not stated): gnomAD exomes 0.00001; ExAC 0.00002.
gnomAD v4.1: 5 of 1,614,212 alleles (0.00031%); highest among the groups gnomAD compares: Admixed American, 0.005%; no homozygotes.

Submission:

Labcorp Genetics (formerly Invitae), Labcorp
Classification: Uncertain significance for Developmental and epileptic encephalopathy, 31A. Last evaluated: 2023-08-17. Review status: criteria provided, single submitter. Criteria: Invitae Variant Classification Sherloc (09022015). Collection method: clinical testing. Allele origin: germline.
Comment: In summary, the available evidence is currently insufficient to determine the role of this variant in disease. Therefore, it has been classified as a Variant of Uncertain Significance. Advanced modeling of protein sequence and biophysical properties (such as structural, functional, and spatial information, amino acid conservation, physicochemical variation, residue mobility, and thermodynamic stability) performed at Invitae indicates that this missense variant is not expected to disrupt DNM1 protein function. This variant has not been reported in the literature in individuals affected with DNM1-related conditions. This variant is present in population databases (rs755625989, gnomAD 0.009%). This sequence change replaces arginine, which is basic and polar, with glutamine, which is neutral and polar, at codon 256 of the DNM1 protein (p.Arg256Gln).